The following is an entry in ClinVar:

NM_000372.5(TYR):c.1A>G (p.Met1Val)

Gene: TYR (tyrosinase; plus strand). Cytogenetic location: 11q14.3.
Variant type: single nucleotide variant.
Coding change: c.1A>G on transcript NM_000372.5 (MANE Select); coding-DNA position 1, A replaced by G.
Protein change: p.Met1Val; changes the start codon (methionine 1).
Molecular consequence: missense variant, initiator codon variant.
Genome position (GRCh38, 1-based): chr11:89,177,954, A>G. VCF-style: chr11-89177954-A-G. GRCh37 (hg19) VCF-style: chr11-88911122-A-G.
Other names: short protein forms M1V.
Identifiers: ClinVar variation 3807 (VCV000003807.64), dbSNP rs28940881, ClinGen allele CA227539.

ClinVar aggregate classification (germline): Pathogenic/Likely pathogenic. Review status: criteria provided, multiple submitters, no conflicts (2 of 4 stars). 24 submissions from 20 submitters: Pathogenic (19); Likely pathogenic (1). 4 of the submissions do not count toward it. Last evaluated 2026-08-06.

Conditions:
TYR-related disorder. Also called: TYR-related condition.
Myopia. Also called: Myopia (disease). Identifiers: MedGen C0027092, MONDO:0001384, HP:0000545.
Albinism. Identifiers: MedGen C0001916, MONDO:0043209, HP:0001022.
Nystagmus. Identifiers: MedGen C0028738, MONDO:0004843, HP:0000639.
Foveal hypoplasia. Also called: Hypoplasia of the fovea. Identifiers: MedGen C2673946, MONDO:0044203, HP:0007750.
Slow decrease in visual acuity. Identifiers: MedGen C1853141, HP:0007924.
Elevated circulating hepatic transaminase concentration. Also called: Elevated hepatic transaminases; Elevated hepatic transaminase. Identifiers: MedGen C0235996, HP:0002910.
Choroidal neovascularization. Identifiers: MedGen C0600518, MONDO:0810000, HP:0011506.
Abnormality of metabolism/homeostasis. Identifiers: MedGen C4021768, HP:0001939.
Albinism or congenital nystagmus.
Oculocutaneous albinism type 1A (OCA1A). Also called: Albinism, oculocutaneous, type IA. Identifiers: Orphanet 352731, Orphanet 79431, MedGen C4551504, MONDO:0008745, OMIM 203100. Disease mechanism: loss of function.
SKIN/HAIR/EYE PIGMENTATION 3, LIGHT/DARK SKIN (SHEP3). Also called: SKIN/HAIR/EYE PIGMENTATION, VARIATION IN, 3; EYE COLOR 1; EYE COLOR, GREEN/BLUE; SKIN/HAIR/EYE PIGMENTATION 3, BLUE/GREEN EYE COLOR; SKIN/HAIR/EYE PIGMENTATION 3, FRECKLING. Identifiers: MedGen C2677190, OMIM 601800.
Inborn genetic diseases. Identifiers: MedGen C0950123, MeSH D030342.
Oculocutaneous albinism. Identifiers: Orphanet 55, MedGen C0078918, MONDO:0018910.
Ocular albinism with congenital sensorineural hearing loss. Identifiers: MedGen CN028925.
Oculocutaneous albinism type 1B (OCA1B). Also called: ALBINISM, OCULOCUTANEOUS, TYPE IB; ALBINISM, YELLOW MUTANT TYPE; YELLOW ALBINISM. Identifiers: Orphanet 352731, Orphanet 352737, Orphanet 79434, MedGen C1847024, MONDO:0011749, OMIM 606952.
Iris transillumination defect. Identifiers: MedGen C1096099, HP:0012805.
Hypopigmentation of the skin. Identifiers: Orphanet 79376, MedGen C0162835, MONDO:0019290, HP:0001010.
Horizontal nystagmus. Identifiers: MedGen C0271385, HP:0000666.
Hypopigmentation of hair. Identifiers: MedGen C3278401, HP:0005599.
Abnormality of the skin. Identifiers: MedGen C5848159, HP:0000951.

Allele frequency attached by ClinVar (database versions not stated): ExAC 0.00003; gnomAD 0.00005 and 0.00006; TOPMed 0.00005; gnomAD exomes 0.00006.

Submissions 1 to 16 of 24:

Ambry Genetics
Classification: Pathogenic for Inborn genetic diseases. Last evaluated: 2026-08-06. Review status: criteria provided, single submitter. Criteria: Ambry Variant Classification Scheme 2023. Collection method: clinical testing. Allele origin: germline.
Comment: The c.1A>G (p.M1?) variant is located in coding exon 1 of the TYR gene and results from a A to G substitution at nucleotide position 1. This alters the methionine residue at the initiation codon (ATG). Sequence variations that modify the initiation codon are expected to result in either loss of translation initiation, N-terminal truncation, or cause a shift in the mRNA reading frame. Based on data from gnomAD, this allele has an overall frequency of 0.007% (19/282834) total alleles studied. This variant has been identified in the homozygous state and/or in conjunction with other TYR variant(s) in individual(s) with features consistent with TYR-related oculocutaneous albinism (Breimer, 1994; Sun, 2018). This amino acid position is highly conserved in available vertebrate species. Based on the available evidence, this alteration is classified as pathogenic.

PreventionGenetics, part of Exact Sciences
Classification: Pathogenic for TYR-related condition. Last evaluated: 2026-08-04. Review status: criteria provided, single submitter. Criteria: ACMG Guidelines, 2015. Collection method: clinical testing. Allele origin: germline.
Comment: The TYR c.1A>G variant is predicted to disrupt the translation initiation site (Start loss). This variant has been reported in the homozygous and compound heterozygous states in many individuals with oculocutaneous albinism (see for examples: Breimer et al. 1994. PubMed ID: 7955413; Marti et al. 2018. PubMed ID: 28976636; Bjeloš et al. 2024. PubMed ID: 39125459). An alternate variant also causing a start loss (c.2T>C) has also been reported in individuals with oculocutaneous albinism (Table S1, Lasseaux et al. 2018. PubMed ID: 29345414). This variant is present in 0.012% of alleles in individuals of European (non-Finnish) descent in gnomAD and has been classified as pathogenic by multiple independent submitters to the ClinVar database (Variation ID: 3807). Given the evidence, we interpret this variant as pathogenic.

CeGaT Center for Human Genetics Tuebingen
Classification: Pathogenic. Last evaluated: 2026-02-01. Review status: criteria provided, single submitter. Criteria: CeGaT Center For Human Genetics Tuebingen Variant Classification Criteria Version 2. Collection method: clinical testing. Allele origin: germline. Affected: yes. Observed: 3 variant alleles.
Comment: TYR: PM3:Very Strong, PVS1:Moderate, PM2:Supporting

Institute of Immunology and Genetics Kaiserslautern
Classification: Pathogenic for Oculocutaneous albinism type 1A; SKIN/HAIR/EYE PIGMENTATION 3, LIGHT/DARK SKIN. Last evaluated: 2025-12-16. Review status: criteria provided, single submitter. Criteria: ACMG Guidelines, 2015. Collection method: clinical testing. Allele origin: germline. Affected: yes.
Comment: ACMG Criteria: PVS1, PS1, PS4, PM2; Variant was found in heterozygous state.

Labcorp Genetics (formerly Invitae), Labcorp
Classification: Pathogenic. Last evaluated: 2025-12-06. Review status: criteria provided, single submitter. Criteria: Invitae Variant Classification Sherloc (09022015). Collection method: clinical testing. Allele origin: germline.
Comment: This sequence change affects the initiator codon of the TYR mRNA. This change may impact translation initiation or efficiency. The next in-frame methionine is located at codon 31. This variant is present in population databases (rs28940881, gnomAD 0.01%). Disruption of the initiator codon has been observed in individuals with oculocutaneous albinism type (PMID: 7955413, 28378818, 28976636, 31077556). ClinVar contains an entry for this variant (Variation ID: 3807). For these reasons, this variant has been classified as Pathogenic.

NHS Central & South Genomic Laboratory Hub
Classification: Pathogenic for Albinism or congenital nystagmus. Last evaluated: 2025-09-25. Review status: criteria provided, single submitter. Criteria: ACMG Guidelines, 2015. Collection method: clinical testing. Allele origin: germline. Affected: yes.

GeneDx
Classification: Pathogenic. Last evaluated: 2024-11-16. Review status: criteria provided, single submitter. Criteria: GeneDx Variant Classification Process June 2021. Collection method: clinical testing. Allele origin: germline. Affected: yes.
Comment: Initiation codon variant in a gene for which loss-of-function is a known mechanism of disease; This variant is associated with the following publications: (PMID: 34897530, 7704033, 7955413, 36460718, 34426522, 28976636, 31077556, 31589614, 28378818, 30219046)

Institute of Human Genetics, University of Leipzig Medical Center
Classification: Pathogenic for Oculocutaneous albinism type 1B. Last evaluated: 2024-08-20. Review status: criteria provided, single submitter. Criteria: ACMG Guidelines, 2015. Collection method: clinical testing. Allele origin: paternal. Inheritance: Autosomal recessive inheritance. Affected: yes.
Comment: Criteria applied: PVS1_MOD,PM3_VSTR,PS1,PP4

Blueprint Genetics
Classification: Pathogenic for TYR-related disorders. Last evaluated: 2024-08-12. Review status: criteria provided, single submitter. Criteria: ACMG Guidelines, 2015. Collection method: clinical testing. Allele origin: germline. Affected: yes. Observed: 5 variant alleles.

Genome-Nilou Lab
Classification: Pathogenic for Oculocutaneous albinism type 1A. Last evaluated: 2021-07-22. Review status: criteria provided, single submitter. Criteria: ACMG Guidelines, 2015. Collection method: clinical testing. Allele origin: germline. Affected: no.

Kariminejad - Najmabadi Pathology & Genetics Center
Classification: Pathogenic for Abnormality of the skin. Last evaluated: 2021-07-10. Review status: criteria provided, single submitter. Criteria: ACMG Guidelines, 2015. Collection method: clinical testing. Allele origin: germline. Affected: yes.

Genetics and Molecular Pathology, SA Pathology
Classification: Likely pathogenic for Oculocutaneous albinism. Last evaluated: 2021-04-29. Review status: criteria provided, single submitter. Criteria: ACMG Guidelines, 2015. Collection method: clinical testing. Allele origin: germline. Affected: yes.

Fulgent Genetics
Classification: Pathogenic for Oculocutaneous albinism type 1A; SKIN/HAIR/EYE PIGMENTATION 3, LIGHT/DARK SKIN; Oculocutaneous albinism type 1B. Last evaluated: 2018-10-31. Review status: criteria provided, single submitter. Criteria: ACMG Guidelines, 2015. Collection method: clinical testing. Allele origin: unknown.

Centre for Mendelian Genomics, University Medical Centre Ljubljana
Classification: Pathogenic for Horizontal nystagmus; Hypopigmentation of hair; Hypopigmentation of the skin; Iris transillumination defect. Last evaluated: 2017-01-01. Review status: criteria provided, single submitter. Criteria: ACMG Guidelines, 2015. Collection method: clinical testing. Allele origin: unknown. Affected: yes.

Centre for Mendelian Genomics, University Medical Centre Ljubljana
Classification: Pathogenic for Albinism; Myopia; Nystagmus. Last evaluated: 2017-01-01. Review status: criteria provided, single submitter. Criteria: ACMG Guidelines, 2015. Collection method: clinical testing. Allele origin: unknown. Affected: yes.

Centre for Mendelian Genomics, University Medical Centre Ljubljana
Classification: Pathogenic for Abnormality of metabolism/homeostasis; Albinism; Choroidal neovascularization; Elevated circulating hepatic transaminase concentration; Foveal hypoplasia; Slow decrease in visual acuity. Last evaluated: 2017-01-01. Review status: criteria provided, single submitter. Criteria: ACMG Guidelines, 2015. Collection method: clinical testing. Allele origin: unknown. Affected: yes.